The following is an entry in ClinVar:

NM_001113378.2(FANCI):c.3310A>C (p.Thr1104Pro)

Gene: FANCI (FA complementation group I; plus strand). Cytogenetic location: 15q26.1.
Variant type: single nucleotide variant.
Coding change: c.3310A>C on transcript NM_001113378.2 (MANE Select); coding-DNA position 3310, A replaced by C.
Protein change: p.Thr1104Pro; replaces threonine 1104 with proline.
Molecular consequence: missense variant.
Genome position (GRCh38, 1-based): chr15:89,305,659, A>C. VCF-style: chr15-89305659-A-C. GRCh37 (hg19) VCF-style: chr15-89848890-A-C.
Other names: c.3031A>C, p.Thr1011Pro (NM_001376910.1); c.3310A>C, p.Thr1104Pro (NM_001376911.1); c.3130A>C, p.Thr1044Pro (NM_018193.3); short protein forms T1104P, T1044P, T1011P.
Identifiers: ClinVar variation 456215 (VCV000456215.9), dbSNP rs768735814, ClinGen allele CA7723678.

ClinVar aggregate classification (germline): Uncertain significance (1 of 4 stars; one submission).

Conditions:
Fanconi anemia (FA). Also called: Fanconi's anemia. Identifiers: Orphanet 84, MedGen C0015625, MeSH D005199, MONDO:0019391.

Allele frequency attached by ClinVar (database versions not stated): gnomAD exomes below 0.00001; ExAC 0.00001; TOPMed 0.00001.
gnomAD v4.1: 2 of 1,614,218 alleles (0.00012%); highest among the groups gnomAD compares: East Asian, 0.0045%; no homozygotes.

Submission:

Labcorp Genetics (formerly Invitae), Labcorp
Classification: Uncertain significance for Fanconi anemia. Last evaluated: 2024-08-05. Review status: criteria provided, single submitter. Criteria: Invitae Variant Classification Sherloc (09022015). Collection method: clinical testing. Allele origin: germline.
Comment: This sequence change replaces threonine, which is neutral and polar, with proline, which is neutral and non-polar, at codon 1104 of the FANCI protein (p.Thr1104Pro). This variant is present in population databases (rs768735814, gnomAD 0.006%). This variant has not been reported in the literature in individuals affected with FANCI-related conditions. ClinVar contains an entry for this variant (Variation ID: 456215). Advanced modeling of protein sequence and biophysical properties (such as structural, functional, and spatial information, amino acid conservation, physicochemical variation, residue mobility, and thermodynamic stability) has been performed at Invitae for this missense variant, however the output from this modeling did not meet the statistical confidence thresholds required to predict the impact of this variant on FANCI protein function. In summary, the available evidence is currently insufficient to determine the role of this variant in disease. Therefore, it has been classified as a Variant of Uncertain Significance.